The following is an entry in ClinVar:

ClinVar aggregate classification (germline): Benign/Likely benign. Review status: criteria provided, multiple submitters, no conflicts (2 of 4 stars). 7 submissions from 7 submitters: Benign (2); Likely benign (5). Last evaluated 2026-06-01.

Conditions:
TRIM63-related disorder. Also called: TRIM63-related condition.

Allele frequency attached by ClinVar (database versions not stated): 1000 Genomes Project 0.00060; 1000 Genomes Project 30x 0.00094; gnomAD 0.00111 and 0.00112; TOPMed 0.00113; gnomAD exomes 0.00119 and 0.00205; ExAC 0.00157; ESP Exome Variant Server 0.00231.
gnomAD v4.1: 3,052 of 1,575,986 alleles (0.19%); highest among the groups gnomAD compares: Non-Finnish European, 0.25%; 7 homozygotes.

Submissions (7):

CeGaT Center for Human Genetics Tuebingen
Classification: Likely benign. Last evaluated: 2026-06-01. Review status: criteria provided, single submitter. Criteria: CeGaT Center For Human Genetics Tuebingen Variant Classification Criteria Version 2. Collection method: clinical testing. Allele origin: germline. Affected: yes. Observed: 3 variant alleles.
Comment: TRIM63: BP4, BP7

Mayo Clinic Laboratories, Mayo Clinic
Classification: Likely benign. Last evaluated: 2025-12-17. Review status: criteria provided, single submitter. Criteria: ACMG Guidelines, 2015. Collection method: clinical testing. Allele origin: germline. Observed: 4 variant alleles.
Comment: BS2, BP4, BP7

Women's Health and Genetics/Laboratory Corporation of America, LabCorp
Classification: Likely benign. Last evaluated: 2025-05-19. Review status: criteria provided, single submitter. Criteria: LabCorp Variant Classification Summary - May 2015. Collection method: clinical testing. Allele origin: germline.
Comment: Variant summary: TRIM63 c.162T>G (p.Ala54Ala) alters a conserved nucleotide located close to a canonical splice site and therefore could affect mRNA splicing, leading to a significantly altered protein sequence. Consensus agreement among computation tools predict no significant impact on normal splicing. However, these predictions have yet to be confirmed by functional studies. The variant allele was found at a frequency of 0.0019 in 1575986 control chromosomes, predominantly at a frequency of 0.0025 within the Non-Finnish European subpopulation in the gnomAD database (v4), including 7 homozygotes. c.162T>G has been reported in the literature in an individual affected with Hypertrophic Cardiomyopathy, without strong evidence for causality (Chen_2012). This report does not provide unequivocal conclusions about association of the variant with Hypertrophic Cardiomyopathy. To our knowledge, no experimental evidence demonstrating an impact on protein function has been reported. The following publication has been ascertained in the context of this evaluation (PMID: 22821932). ClinVar contains an entry for this variant (Variation ID: 703828). Based on the evidence outlined above, the variant was classified as likely benign.

Molecular Diagnostic Laboratory for Inherited Cardiovascular Disease, Montreal Heart Institute
Classification: Benign. Last evaluated: 2025-04-09. Review status: criteria provided, single submitter. Criteria: ACMG Guidelines, 2015. Collection method: clinical testing. Allele origin: germline. Affected: no.

PreventionGenetics, part of Exact Sciences
Classification: Likely benign for TRIM63-related condition. Last evaluated: 2024-12-19. Review status: criteria provided, single submitter. Criteria: ACMG Guidelines, 2015. Collection method: clinical testing. Allele origin: germline.
Comment: This variant is classified as likely benign based on ACMG/AMP sequence variant interpretation guidelines (Richards et al. 2015 PMID: 25741868, with internal and published modifications).

Labcorp Genetics (formerly Invitae), Labcorp
Classification: Benign. Last evaluated: 2017-12-22. Review status: criteria provided, single submitter. Criteria: Invitae Variant Classification Sherloc (09022015). Collection method: clinical testing. Allele origin: germline.

Breakthrough Genomics
Classification: Likely benign. Review status: criteria provided, single submitter. Criteria: ACMG Guidelines, 2015. Collection method: not provided. Allele origin: germline. Inheritance: Unknown mechanism. Affected: yes.

Literature cited by the submitters: PubMed 22821932 (cited by Women's Health and Genetics/Laboratory Corporation of America, LabCorp).

NM_032588.4(TRIM63):c.162T>G (p.Ala54=)

Gene: TRIM63 (tripartite motif containing 63; minus strand). Cytogenetic location: 1p36.11.
Variant type: single nucleotide variant.
Coding change: c.162T>G on transcript NM_032588.4 (MANE Select); coding-DNA position 162, T replaced by G.
Protein change: p.Ala54=; no amino-acid change (alanine 54 retained).
Molecular consequence: synonymous variant.
Genome position (GRCh38, 1-based): chr1:26,066,438, A>C on the plus strand (T>G on the coding strand, the complement: TRIM63 is on the minus strand). VCF-style: chr1-26066438-A-C. GRCh37 (hg19) VCF-style: chr1-26392929-A-C.
Other names: p.Ala54=.
Identifiers: ClinVar variation 703828 (VCV000703828.42), dbSNP rs41284327, ClinGen allele CA699759.